The following is an entry in ClinVar:

NM_001370259.2(MEN1):c.1719C>A (p.Ser573Arg)

Gene: MEN1 (menin 1; minus strand). Cytogenetic location: 11q13.1.
Variant type: single nucleotide variant.
Coding change: c.1719C>A on transcript NM_001370259.2 (MANE Select); coding-DNA position 1719, C replaced by A.
Protein change: p.Ser573Arg; replaces serine 573 with arginine.
Molecular consequence: missense variant. On other transcripts: non-coding transcript variant (4).
Genome position (GRCh38, 1-based): chr11:64,804,448, G>T on the plus strand (C>A on the coding strand, the complement: MEN1 is on the minus strand). VCF-style: chr11-64804448-G-T. GRCh37 (hg19) VCF-style: chr11-64571920-G-T.
Other names: c.1734C>A, p.Ser578Arg (NM_000244.4, NM_130800.3, NM_130801.3 and 4 more transcripts); c.1845C>A, p.Ser615Arg (NM_001370251.2, NM_001407142.1, NM_001407143.1 and 1 more transcripts); c.1719C>A, p.Ser573Arg (NM_001370260.2, NM_001370261.2, NM_130799.3 and 2 more transcripts); c.1614C>A, p.Ser538Arg (NM_001370262.2, NM_001370263.2, NM_001407148.1 and 1 more transcripts); c.1860C>A, p.Ser620Arg (NM_001407150.1); c.1740C>A, p.Ser580Arg (NM_001407151.1); c.1554C>A, p.Ser518Arg (NM_001407152.1); short protein forms S518R, S538R, S573R, S578R, S580R, S615R, S620R.
Identifiers: ClinVar variation 4800412 (VCV004800412.2).

ClinVar aggregate classification (germline): Uncertain significance. Review status: criteria provided, multiple submitters, no conflicts (2 of 4 stars). 2 submissions from 2 submitters: Uncertain significance (2). Last evaluated 2026-04-13.

Conditions:
Multiple endocrine neoplasia, type 1 (MEN1). Also called: MEA I; MEN I; WERMER SYNDROME; Endocrine adenomatosis multiple; MEN 1. Identifiers: Orphanet 652, MedGen C0025267, MeSH D018761, MONDO:0007540, OMIM 131100.
Hereditary cancer-predisposing syndrome. Also called: Hereditary neoplastic syndrome; Neoplastic Syndromes, Hereditary; Tumor predisposition; Hereditary Cancer Syndrome. Identifiers: Orphanet 140162, MedGen C0027672, MeSH D009386, MONDO:0015356.

Submissions (2):

Ambry Genetics
Classification: Uncertain significance for Hereditary cancer-predisposing syndrome. Last evaluated: 2026-04-13. Review status: criteria provided, single submitter. Criteria: Ambry Variant Classification Scheme 2023. Collection method: clinical testing. Allele origin: germline.
Comment: The p.S573R variant (also known as c.1719C>A), located in coding exon 9 of the MEN1 gene, results from a C to A substitution at nucleotide position 1719. The serine at codon 573 is replaced by arginine, an amino acid with dissimilar properties. This amino acid position is conserved. In addition, the in silico prediction for this alteration is inconclusive. Based on the available evidence, the clinical significance of this variant remains unclear.

Labcorp Genetics (formerly Invitae), Labcorp
Classification: Uncertain significance for Multiple endocrine neoplasia, type 1. Last evaluated: 2025-08-04. Review status: criteria provided, single submitter. Criteria: Invitae Variant Classification Sherloc (09022015). Collection method: clinical testing. Allele origin: germline.
Comment: This sequence change replaces serine, which is neutral and polar, with arginine, which is basic and polar, at codon 573 of the MEN1 protein (p.Ser573Arg). This variant is not present in population databases (gnomAD no frequency). This variant has not been reported in the literature in individuals affected with MEN1-related conditions. Invitae Evidence Modeling of protein sequence and biophysical properties (such as structural, functional, and spatial information, amino acid conservation, physicochemical variation, residue mobility, and thermodynamic stability) indicates that this missense variant is expected to disrupt MEN1 protein function with a positive predictive value of 95%. In summary, the available evidence is currently insufficient to determine the role of this variant in disease. Therefore, it has been classified as a Variant of Uncertain Significance.